The following is an entry in ClinVar:

ClinVar aggregate classification (germline): Uncertain significance (1 of 4 stars; one submission).

Conditions:
KBG syndrome (KBGS). Also called: ANKRD11-Related KBG Syndrome. Identifiers: Orphanet 2332, MedGen C0220687, MONDO:0007846, OMIM 148050.

Submission:

Labcorp Genetics (formerly Invitae), Labcorp
Classification: Uncertain significance for KBG syndrome. Last evaluated: 2024-11-03. Review status: criteria provided, single submitter. Criteria: Invitae Variant Classification Sherloc (09022015). Collection method: clinical testing. Allele origin: germline.
Comment: This sequence change replaces valine, which is neutral and non-polar, with alanine, which is neutral and non-polar, at codon 1971 of the ANKRD11 protein (p.Val1971Ala). This variant is not present in population databases (gnomAD no frequency). This variant has not been reported in the literature in individuals affected with ANKRD11-related conditions. ClinVar contains an entry for this variant (Variation ID: 2124949). Invitae Evidence Modeling of protein sequence and biophysical properties (such as structural, functional, and spatial information, amino acid conservation, physicochemical variation, residue mobility, and thermodynamic stability) indicates that this missense variant is not expected to disrupt ANKRD11 protein function with a negative predictive value of 95%. In summary, the available evidence is currently insufficient to determine the role of this variant in disease. Therefore, it has been classified as a Variant of Uncertain Significance.

NM_013275.6(ANKRD11):c.5912T>C (p.Val1971Ala)

Gene: ANKRD11 (ankyrin repeat domain 11; minus strand). Cytogenetic location: 16q24.3.
Variant type: single nucleotide variant.
Coding change: c.5912T>C on transcript NM_013275.6 (MANE Select); coding-DNA position 5912, T replaced by C.
Protein change: p.Val1971Ala; replaces valine 1971 with alanine.
Molecular consequence: missense variant.
Genome position (GRCh38, 1-based): chr16:89,280,630, A>G on the plus strand (T>C on the coding strand, the complement: ANKRD11 is on the minus strand). VCF-style: chr16-89280630-A-G. GRCh37 (hg19) VCF-style: chr16-89347038-A-G.
Other names: c.5912T>C, p.Val1971Ala (NM_001256182.2, NM_001256183.2); short protein forms V1971A.
Identifiers: ClinVar variation 2124949 (VCV002124949.4), dbSNP rs2544225494, ClinGen allele CA397152431.
Genomic context (GRCh38, chr16:89,280,630, plus strand): 5'-GGGGACTCGGGGAATCTCTGTGGAGACTTCAGCAGGAGGTCCGAGCCCACAGGCCAGCTC[A>G]CAGGGTTTTCAGAGGTGCCCCCGATCAGGCTAGAGGCAAGCGCCTGCTCGGAGGGGTGGG-3'
Protein context (NP_037407.4, residues 1961-1981): SLIGGTSENP[Val1971Ala]SWPVGSDLLL